The following is an entry in ClinVar:

NM_000245.4(MET):c.3978G>C (p.Met1326Ile)

Gene: MET (MET proto-oncogene, receptor tyrosine kinase; plus strand). Cytogenetic location: 7q31.2.
Variant type: single nucleotide variant.
Coding change: c.3978G>C on transcript NM_000245.4 (MANE Select); coding-DNA position 3978, G replaced by C.
Protein change: p.Met1326Ile; replaces methionine 1326 with isoleucine.
Molecular consequence: missense variant.
Genome position (GRCh38, 1-based): chr7:116,795,929, G>C. VCF-style: chr7-116795929-G-C. GRCh37 (hg19) VCF-style: chr7-116435983-G-C.
Other names: c.4032G>C, p.Met1344Ile (NM_001127500.3); c.2688G>C, p.Met896Ile (NM_001324402.2); short protein forms M1326I, M1344I, M896I.
Identifiers: ClinVar variation 1383952 (VCV001383952.9), dbSNP rs1795656686, ClinGen allele CA369118142.

ClinVar aggregate classification (germline): Uncertain significance. Review status: criteria provided, multiple submitters, no conflicts (2 of 4 stars). 2 submissions from 2 submitters: Uncertain significance (2). Last evaluated 2025-09-10.

Conditions:
Hereditary cancer-predisposing syndrome. Also called: Tumor predisposition; Neoplastic Syndromes, Hereditary; Hereditary Cancer Syndrome; Hereditary neoplastic syndrome. Identifiers: Orphanet 140162, MedGen C0027672, MeSH D009386, MONDO:0015356.
Renal cell carcinoma. Identifiers: Orphanet 217071, MedGen C0007134, MeSH D002292, MONDO:0005086, HP:0005584.

Submissions (2):

Labcorp Genetics (formerly Invitae), Labcorp
Classification: Uncertain significance for Renal cell carcinoma. Last evaluated: 2025-09-10. Review status: criteria provided, single submitter. Criteria: Invitae Variant Classification Sherloc (09022015). Collection method: clinical testing. Allele origin: germline.
Comment: This sequence change replaces methionine, which is neutral and non-polar, with isoleucine, which is neutral and non-polar, at codon 1344 of the MET protein (p.Met1344Ile). This variant is not present in population databases (gnomAD no frequency). This variant has not been reported in the literature in individuals affected with MET-related conditions. ClinVar contains an entry for this variant (Variation ID: 1383952). Invitae Evidence Modeling of protein sequence and biophysical properties (such as structural, functional, and spatial information, amino acid conservation, physicochemical variation, residue mobility, and thermodynamic stability) indicates that this missense variant is not expected to disrupt MET protein function with a negative predictive value of 80%. In summary, the available evidence is currently insufficient to determine the role of this variant in disease. Therefore, it has been classified as a Variant of Uncertain Significance.

Ambry Genetics
Classification: Uncertain significance for Hereditary cancer-predisposing syndrome. Last evaluated: 2024-07-22. Review status: criteria provided, single submitter. Criteria: Ambry Variant Classification Scheme 2023. Collection method: clinical testing. Allele origin: germline.
Comment: The p.M1344I variant (also known as c.4032G>C), located in coding exon 20 of the MET gene, results from a G to C substitution at nucleotide position 4032. The methionine at codon 1344 is replaced by isoleucine, an amino acid with highly similar properties. This amino acid position is not well conserved in available vertebrate species. In addition, this alteration is predicted to be tolerated by in silico analysis. Based on the available evidence, the clinical significance of this variant remains unclear.